The following is an entry in ClinVar:

ClinVar aggregate classification (germline): Uncertain significance (1 of 4 stars; one submission).

Conditions:
Chédiak-Higashi syndrome (CHS). Also called: Chediak-Higashi Syndrome. Identifiers: Orphanet 167, MedGen C0007965, MONDO:0008963, OMIM 214500.

gnomAD v4.1: 3 of 1,610,654 alleles (0.00019%); highest among the groups gnomAD compares: Non-Finnish European, 0.00025%; no homozygotes.

Submission:

Labcorp Genetics (formerly Invitae), Labcorp
Classification: Uncertain significance for Chédiak-Higashi syndrome. Last evaluated: 2024-02-14. Review status: criteria provided, single submitter. Criteria: Invitae Variant Classification Sherloc (09022015). Collection method: clinical testing. Allele origin: germline.
Comment: This sequence change replaces serine, which is neutral and polar, with threonine, which is neutral and polar, at codon 2514 of the LYST protein (p.Ser2514Thr). This variant is present in population databases (no rsID available, gnomAD 0.0009%). This variant has not been reported in the literature in individuals affected with LYST-related conditions. Advanced modeling of protein sequence and biophysical properties (such as structural, functional, and spatial information, amino acid conservation, physicochemical variation, residue mobility, and thermodynamic stability) performed at Invitae indicates that this missense variant is not expected to disrupt LYST protein function with a negative predictive value of 80%. In summary, the available evidence is currently insufficient to determine the role of this variant in disease. Therefore, it has been classified as a Variant of Uncertain Significance.

NM_000081.4(LYST):c.7540T>A (p.Ser2514Thr)

Gene: LYST (lysosomal trafficking regulator; minus strand). Cytogenetic location: 1q42.3.
Variant type: single nucleotide variant.
Coding change: c.7540T>A on transcript NM_000081.4 (MANE Select); coding-DNA position 7540, T replaced by A.
Protein change: p.Ser2514Thr; replaces serine 2514 with threonine.
Molecular consequence: missense variant.
Genome position (GRCh38, 1-based): chr1:235,752,092, A>T on the plus strand (T>A on the coding strand, the complement: LYST is on the minus strand). VCF-style: chr1-235752092-A-T. GRCh37 (hg19) VCF-style: chr1-235915392-A-T.
Other names: c.7540T>A, p.Ser2514Thr (NM_001301365.1); short protein forms S2514T.
Identifiers: ClinVar variation 3644178 (VCV003644178.2).
Genomic context (GRCh38, chr1:235,752,092, plus strand): 5'-GAAGATATCCAAGCATTACAATAAGGTCTTCAATAACCCTAAAATATTGTGAGCCTGAGG[A>T]ACTGCAAGCATGAATTGTAACTGCTATGAAAAGTTGCTGTATATCACAAGCAAGCAATTT-3'
Protein context (NP_000072.2, residues 2504-2524): FIAVTIHACS[Ser2514Thr]SGSQYFRVIE